The following is an entry in ClinVar:

NM_130837.3(OPA1):c.1609-3T>C

Gene: OPA1 (OPA1 mitochondrial dynamin like GTPase; plus strand). Cytogenetic location: 3q29.
Variant type: single nucleotide variant.
Coding change: c.1609-3T>C on transcript NM_130837.3 (MANE Select); 3 bases into the intron before coding-DNA position 1609, T replaced by C.
Molecular consequence: intron variant.
Genome position (GRCh38, 1-based): chr3:193,645,550, T>C. VCF-style: chr3-193645550-T-C. GRCh37 (hg19) VCF-style: chr3-193363339-T-C.
Other names: p.?; c.1072-3T>C (NM_001354664.2); c.1075-3T>C (NM_001354663.2); c.1498-3T>C (NM_130834.3); c.1555-3T>C (NM_130836.3); c.1444-3T>C (NM_015560.3); c.1501-3T>C (NM_130835.3); c.1390-3T>C (NM_130832.3); and 2 more.
Identifiers: ClinVar variation 4684761 (VCV004684761.1).

ClinVar aggregate classification (germline): Likely benign (1 of 4 stars; one submission).

gnomAD v4.1: 1 of 1,610,384 alleles (0.000062%); highest among the groups gnomAD compares: Non-Finnish European, 0.000085%; no homozygotes.

Submission:

Mayo Clinic Laboratories, Mayo Clinic
Classification: Likely benign. Last evaluated: 2024-11-13. Review status: criteria provided, single submitter. Criteria: ACMG Guidelines, 2015. Collection method: clinical testing. Allele origin: germline. Observed: 1 variant allele.
Comment: BP4, BP7